The following is an entry in ClinVar:

ClinVar aggregate classification (germline): Uncertain significance. Review status: criteria provided, multiple submitters, no conflicts (2 of 4 stars). 3 submissions from 3 submitters: Uncertain significance (2). 1 of the submissions does not count toward it. Last evaluated 2023-04-04.

Conditions:
Hereditary cancer-predisposing syndrome. Also called: Hereditary neoplastic syndrome; Neoplastic Syndromes, Hereditary; Tumor predisposition; Hereditary Cancer Syndrome. Identifiers: Orphanet 140162, MedGen C0027672, MeSH D009386, MONDO:0015356.
Hereditary breast ovarian cancer syndrome. Also called: Hereditary breast and ovarian cancer syndrome; Hereditary breast and/or ovarian cancer syndrome; BRCA1- and BRCA2-Associated Hereditary Breast and Ovarian Cancer; Hereditary breast and ovarian cancer syndrome (HBOC); Hereditary breast and ovarian cancer; Breast and ovarian cancer. Identifiers: Orphanet 145, MedGen C0677776, MeSH D061325, MONDO:0003582. Disease mechanism: loss of function.
Breast-ovarian cancer, familial, susceptibility to, 2 (BROVCA2). Also called: BRCA2 Hereditary Breast and Ovarian Cancer. Identifiers: Orphanet 145, MedGen C2675520, MONDO:0012933, OMIM 612555. Disease mechanism: loss of function.

Allele frequency attached by ClinVar (database versions not stated): gnomAD exomes below 0.00001; ExAC 0.00001.

Submissions (3):

Ambry Genetics
Classification: Uncertain significance for Hereditary cancer-predisposing syndrome. Last evaluated: 2023-04-04. Review status: criteria provided, single submitter. Criteria: Ambry Variant Classification Scheme 2023. Collection method: clinical testing. Allele origin: germline.
Comment: The p.S112N variant (also known as c.335G>A), located in coding exon 3 of the BRCA2 gene, results from a G to A substitution at nucleotide position 335. The serine at codon 112 is replaced by asparagine, an amino acid with highly similar properties. This amino acid position is not well conserved in available vertebrate species. In addition, this alteration is predicted to be tolerated by in silico analysis. Since supporting evidence is limited at this time, the clinical significance of this alteration remains unclear.

Labcorp Genetics (formerly Invitae), Labcorp
Classification: Uncertain significance for Hereditary breast ovarian cancer syndrome. Last evaluated: 2021-02-18. Review status: criteria provided, single submitter. Criteria: Invitae Variant Classification Sherloc (09022015). Collection method: clinical testing. Allele origin: germline.
Comment: This variant has not been reported in the literature in individuals with BRCA2-related conditions. ClinVar contains an entry for this variant (Variation ID: 409529). In summary, the available evidence is currently insufficient to determine the role of this variant in disease. Therefore, it has been classified as a Variant of Uncertain Significance. Algorithms developed to predict the effect of missense changes on protein structure and function output the following: SIFT: "Tolerated"; PolyPhen-2: "Benign"; Align-GVGD: "Class C0". The asparagine amino acid residue is found in multiple mammalian species, suggesting that this missense change does not adversely affect protein function. These predictions have not been confirmed by published functional studies and their clinical significance is uncertain. This variant is present in population databases (rs773184912, ExAC 0.002%). This sequence change replaces serine with asparagine at codon 112 of the BRCA2 protein (p.Ser112Asn). The serine residue is moderately conserved and there is a small physicochemical difference between serine and asparagine.

Department of Medical and Surgical Sciences, University of Bologna
Classification: Likely benign for Breast-ovarian cancer, familial, susceptibility to, 2. Last evaluated: 2023-09-01. Review status: no assertion criteria provided. Collection method: clinical testing. Allele origin: germline. Affected: yes. Not counted in ClinVar's aggregate classification.
Comment: PM2(Supporting)+BP1(Strong) according to ACMG/AMP classification guidelines specified for BRCA1 & BRCA2 (Classification Criteria V1.0.0 2023-09-08) (PMID: 38160042)

NM_000059.4(BRCA2):c.335G>A (p.Ser112Asn)

Gene: BRCA2 (BRCA2 DNA repair associated; plus strand). Cytogenetic location: 13q13.1.
Variant type: single nucleotide variant.
Coding change: c.335G>A on transcript NM_000059.4 (MANE Select); coding-DNA position 335, G replaced by A.
Protein change: p.Ser112Asn; replaces serine 112 with asparagine.
Molecular consequence: missense variant.
Genome position (GRCh38, 1-based): chr13:32,325,094, G>A. VCF-style: chr13-32325094-G-A. GRCh37 (hg19) VCF-style: chr13-32899231-G-A.
Other names: short protein forms S112N.
Identifiers: ClinVar variation 409529 (VCV000409529.13), dbSNP rs773184912, ClinGen allele CA6940352.